The following is an entry in ClinVar:

ClinVar aggregate classification (germline): Uncertain significance (1 of 4 stars; one submission).

Conditions:
Lysinuric protein intolerance (LPI). Identifiers: Orphanet 470, MedGen C0268647, MONDO:0009109, OMIM 222700.

Submission:

Labcorp Genetics (formerly Invitae), Labcorp
Classification: Uncertain significance for Lysinuric protein intolerance. Last evaluated: 2025-02-28. Review status: criteria provided, single submitter. Criteria: Invitae Variant Classification Sherloc (09022015). Collection method: clinical testing. Allele origin: germline.
Comment: This sequence change replaces alanine, which is neutral and non-polar, with proline, which is neutral and non-polar, at codon 133 of the SLC7A7 protein (p.Ala133Pro). This variant is not present in population databases (gnomAD no frequency). This variant has not been reported in the literature in individuals affected with SLC7A7-related conditions. An algorithm developed to predict the effect of missense changes on protein structure and function (PolyPhen-2) suggests that this variant is likely to be disruptive. In summary, the available evidence is currently insufficient to determine the role of this variant in disease. Therefore, it has been classified as a Variant of Uncertain Significance.

NM_003982.4(SLC7A7):c.397G>C (p.Ala133Pro)

Gene: SLC7A7 (solute carrier family 7 member 7; minus strand). Cytogenetic location: 14q11.2.
Variant type: single nucleotide variant.
Coding change: c.397G>C on transcript NM_003982.4 (MANE Select); coding-DNA position 397, G replaced by C.
Protein change: p.Ala133Pro; replaces alanine 133 with proline.
Molecular consequence: missense variant.
Genome position (GRCh38, 1-based): chr14:22,813,002, C>G on the plus strand (G>C on the coding strand, the complement: SLC7A7 is on the minus strand). VCF-style: chr14-22813002-C-G. GRCh37 (hg19) VCF-style: chr14-23282211-C-G.
Other names: c.397G>C, p.Ala133Pro (NM_001126105.3, NM_001126106.4); short protein forms A133P.
Identifiers: ClinVar variation 4711494 (VCV004711494.1).